The following is an entry in ClinVar:

ClinVar aggregate classification (germline): Uncertain significance (1 of 4 stars; one submission).

Allele frequency attached by ClinVar (database versions not stated): gnomAD 0.00001.
gnomAD v4.1: 2 of 1,612,908 alleles (0.00012%); no homozygotes.

Submission:

Labcorp Genetics (formerly Invitae), Labcorp
Classification: Uncertain significance. Last evaluated: 2022-08-28. Review status: criteria provided, single submitter. Criteria: Invitae Variant Classification Sherloc (09022015). Collection method: clinical testing. Allele origin: germline.
Comment: Advanced modeling of protein sequence and biophysical properties (such as structural, functional, and spatial information, amino acid conservation, physicochemical variation, residue mobility, and thermodynamic stability) performed at Invitae indicates that this missense variant is not expected to disrupt COL4A3 protein function. In summary, the available evidence is currently insufficient to determine the role of this variant in disease. Therefore, it has been classified as a Variant of Uncertain Significance. This variant has not been reported in the literature in individuals affected with COL4A3-related conditions. This variant is not present in population databases (gnomAD no frequency). This sequence change replaces alanine, which is neutral and non-polar, with serine, which is neutral and polar, at codon 367 of the COL4A3 protein (p.Ala367Ser).

NM_000091.5(COL4A3):c.1099G>T (p.Ala367Ser)

Genes: COL4A3 (collagen type IV alpha 3 chain; plus strand), MFF-DT (MFF divergent transcript; minus strand). Cytogenetic location: 2q36.3.
Variant type: single nucleotide variant.
Coding change: c.1099G>T on transcript NM_000091.5 (MANE Select); coding-DNA position 1099, G replaced by T.
Protein change: p.Ala367Ser; replaces alanine 367 with serine.
Molecular consequence: missense variant.
Genome position (GRCh38, 1-based): chr2:227,259,862, G>T. VCF-style: chr2-227259862-G-T. GRCh37 (hg19) VCF-style: chr2-228124578-G-T.
Other names: short protein forms A367S.
Identifiers: ClinVar variation 1979357 (VCV001979357.4), dbSNP rs2070435335, ClinGen allele CA350868450.